The following is an entry in ClinVar:

NM_001330260.2(SCN8A):c.5335C>T (p.Pro1779Ser)

Gene: SCN8A (sodium voltage-gated channel alpha subunit 8; plus strand). Cytogenetic location: 12q13.13.
Variant type: single nucleotide variant.
Coding change: c.5335C>T on transcript NM_001330260.2 (MANE Select); coding-DNA position 5335, C replaced by T.
Protein change: p.Pro1779Ser; replaces proline 1779 with serine.
Molecular consequence: missense variant.
Genome position (GRCh38, 1-based): chr12:51,806,821, C>T. VCF-style: chr12-51806821-C-T. GRCh37 (hg19) VCF-style: chr12-52200605-C-T.
Other names: c.5212C>T, p.Pro1738Ser (NM_001177984.3, NM_001369788.1); c.5335C>T, p.Pro1779Ser (NM_014191.4); short protein forms P1738S, P1779S.
Identifiers: ClinVar variation 4801289 (VCV004801289.1).

ClinVar aggregate classification (germline): Uncertain significance (1 of 4 stars; one submission).

Conditions:
Early-infantile DEE. Also called: Early infantile epileptic encephalopathy with suppression bursts; Early infantile epileptic encephalopathy; Ohtahara syndrome. Identifiers: Orphanet 1934, MedGen C0393706, MONDO:0800491.

gnomAD v4.1: 1 of 1,614,134 alleles (0.000062%); highest among the groups gnomAD compares: Non-Finnish European, 0.000085%; no homozygotes.

Submission:

Labcorp Genetics (formerly Invitae), Labcorp
Classification: Uncertain significance for Early-infantile DEE. Last evaluated: 2026-01-11. Review status: criteria provided, single submitter. Criteria: Invitae Variant Classification Sherloc (09022015). Collection method: clinical testing. Allele origin: germline.
Comment: This sequence change replaces proline, which is neutral and non-polar, with serine, which is neutral and polar, at codon 1779 of the SCN8A protein (p.Pro1779Ser). This variant is not present in population databases (gnomAD no frequency). This variant has not been reported in the literature in individuals affected with SCN8A-related conditions. Invitae Evidence Modeling of protein sequence and biophysical properties (such as structural, functional, and spatial information, amino acid conservation, physicochemical variation, residue mobility, and thermodynamic stability) indicates that this missense variant is expected to disrupt SCN8A protein function with a positive predictive value of 80%. In summary, the available evidence is currently insufficient to determine the role of this variant in disease. Therefore, it has been classified as a Variant of Uncertain Significance.